The following is an entry in ClinVar:

ClinVar aggregate classification (germline): Uncertain significance. Review status: criteria provided, multiple submitters, no conflicts (2 of 4 stars). 2 submissions from 2 submitters: Uncertain significance (2). Last evaluated 2023-04-26.

Conditions:
Charcot-Marie-Tooth disease dominant intermediate B (CMTDIB). Also called: Charcot-Marie-Tooth disease dominant intermediate 1; CMT DI1; Charcot-Marie-Tooth disease dominant intermediate I; CHARCOT-MARIE-TOOTH NEUROPATHY, DOMINANT INTERMEDIATE B. Identifiers: Orphanet 100044, Orphanet 228179, MedGen C1847902, MONDO:0011674, OMIM 606482.

Allele frequency attached by ClinVar (database versions not stated): gnomAD exomes below 0.00001; ExAC 0.00001.
gnomAD v4.1: 2 of 1,613,802 alleles (0.00012%); no homozygotes.

Submissions (2):

Blueprint Genetics
Classification: Uncertain significance. Last evaluated: 2023-04-26. Review status: criteria provided, single submitter. Criteria: ACMG Guidelines, 2015. Collection method: clinical testing. Allele origin: germline.

Labcorp Genetics (formerly Invitae), Labcorp
Classification: Uncertain significance for Charcot-Marie-Tooth disease dominant intermediate B. Last evaluated: 2020-02-02. Review status: criteria provided, single submitter. Criteria: Invitae Variant Classification Sherloc (09022015). Collection method: clinical testing. Allele origin: germline.
Comment: In summary, the available evidence is currently insufficient to determine the role of this variant in disease. Therefore, it has been classified as a Variant of Uncertain Significance. Algorithms developed to predict the effect of missense changes on protein structure and function are either unavailable or do not agree on the potential impact of this missense change (SIFT: "Tolerated"; PolyPhen-2: "Probably Damaging"; Align-GVGD: "Class C0"). This variant has not been reported in the literature in individuals with DNM2-related conditions. This variant is present in population databases (rs752357434, ExAC 0.002%). This sequence change replaces proline with alanine at codon 787 of the DNM2 protein (p.Pro787Ala). The proline residue is moderately conserved and there is a small physicochemical difference between proline and alanine.

NM_001005361.3(DNM2):c.2359C>G (p.Pro787Ala)

Gene: DNM2 (dynamin 2; plus strand). Cytogenetic location: 19p13.2.
Variant type: single nucleotide variant.
Coding change: c.2359C>G on transcript NM_001005361.3 (MANE Select); coding-DNA position 2359, C replaced by G.
Protein change: p.Pro787Ala; replaces proline 787 with alanine.
Molecular consequence: missense variant.
Genome position (GRCh38, 1-based): chr19:10,830,194, C>G. VCF-style: chr19-10830194-C-G. GRCh37 (hg19) VCF-style: chr19-10940870-C-G.
Other names: c.2359C>G, p.Pro787Ala (NM_001005360.3, NM_001190716.2); c.2347C>G, p.Pro783Ala (NM_001005362.3, NM_004945.4); short protein forms P783A, P787A.
Identifiers: ClinVar variation 1004978 (VCV001004978.10), dbSNP rs752357434, ClinGen allele CA9201597.
Genomic context (GRCh38, chr19:10,830,194, plus strand): 5'-CCACAGCGCCGACCGGTGTCCAGCATACACCCCCCTGGCCGGCCCCCAGCAGTGAGGGGC[C>G]CCACTCCAGGGCCCCCCCTGATTCCTGTTCCCGTGGGGGCAGCAGCCTCCTTCTCGGCGC-3'
Protein context (NP_001005361.1, residues 777-797): PPGRPPAVRG[Pro787Ala]TPGPPLIPVP